The following is an entry in ClinVar:

NM_001110219.3(GJB6):c.338A>G (p.Asn113Ser)

Gene: GJB6 (gap junction protein beta 6; minus strand). Cytogenetic location: 13q12.11.
Variant type: single nucleotide variant.
Coding change: c.338A>G on transcript NM_001110219.3 (MANE Select); coding-DNA position 338, A replaced by G.
Protein change: p.Asn113Ser; replaces asparagine 113 with serine.
Molecular consequence: missense variant.
Genome position (GRCh38, 1-based): chr13:20,223,143, T>C on the plus strand (A>G on the coding strand, the complement: GJB6 is on the minus strand). VCF-style: chr13-20223143-T-C. GRCh37 (hg19) VCF-style: chr13-20797282-T-C.
Other names: c.338A>G, p.Asn113Ser (NM_006783.5, NM_001110220.3, NM_001110221.3 and 3 more transcripts); short protein forms N113S.
Identifiers: ClinVar variation 2943110 (VCV002943110.3), dbSNP rs2500314732, ClinGen allele CA387468333.

ClinVar aggregate classification (germline): Uncertain significance (1 of 4 stars; one submission).

Conditions:
Autosomal dominant nonsyndromic hearing loss 3B. Identifiers: Orphanet 90635, MedGen C2675237, MONDO:0012975, OMIM 612643.
Autosomal recessive nonsyndromic hearing loss 1A (DFNB1A). Also called: Connexin 26 deafness; Deafness nonsyndromic, Connexin 26 linked; GJB6-Related DFNB 1 Nonsyndromic Hearing Loss and Deafness; Deafness, autosomal recessive 1A; Nonsyndromic Hearing Loss and Deafness, DFNB1; GJB2-Related Autosomal Recessive Nonsyndromic Hearing Loss. Identifiers: Orphanet 90636, MedGen C2673759, MONDO:0009076, OMIM 220290.
Autosomal recessive nonsyndromic hearing loss 1B. Also called: DEAFNESS, AUTOSOMAL RECESSIVE 1B. Identifiers: Orphanet 90636, MedGen C2675235, MONDO:0012977, OMIM 612645.
Hidrotic ectodermal dysplasia syndrome (GJB6). Also called: CLOUSTON HIDROTIC ECTODERMAL DYSPLASIA; Ectodermal dysplasia 2, hidrotic; Autosomal dominant hidrotic ectodermal dysplasia; Clouston syndrome; Clouston's hidrotic ectodermal dysplasia; ECTODERMAL DYSPLASIA 2, CLOUSTON TYPE. Identifiers: Orphanet 189, MedGen C0162361, MONDO:0007510, OMIM 129500.

Submission:

Labcorp Genetics (formerly Invitae), Labcorp
Classification: Uncertain significance for Autosomal dominant nonsyndromic hearing loss 3B; Hidrotic ectodermal dysplasia syndrome; Autosomal recessive nonsyndromic hearing loss 1B; Autosomal recessive nonsyndromic hearing loss 1A. Last evaluated: 2023-03-08. Review status: criteria provided, single submitter. Criteria: Invitae Variant Classification Sherloc (09022015). Collection method: clinical testing. Allele origin: germline.
Comment: In summary, the available evidence is currently insufficient to determine the role of this variant in disease. Therefore, it has been classified as a Variant of Uncertain Significance. Algorithms developed to predict the effect of missense changes on protein structure and function output the following: SIFT: "Not Available"; PolyPhen-2: "Benign"; Align-GVGD: "Not Available". The serine amino acid residue is found in multiple mammalian species, which suggests that this missense change does not adversely affect protein function. This variant has not been reported in the literature in individuals affected with GJB6-related conditions. This variant is not present in population databases (gnomAD no frequency). This sequence change replaces asparagine, which is neutral and polar, with serine, which is neutral and polar, at codon 113 of the GJB6 protein (p.Asn113Ser).